The following is an entry in ClinVar:

NM_003937.3(KYNU):c.903-2A>C

Gene: KYNU (kynureninase; plus strand). Cytogenetic location: 2q22.2.
Variant type: single nucleotide variant.
Coding change: c.903-2A>C on transcript NM_003937.3 (MANE Select); the canonical splice acceptor site of the intron before coding-DNA position 903, A replaced by C.
Molecular consequence: splice acceptor variant.
Genome position (GRCh38, 1-based): chr2:143,029,625, A>C. VCF-style: chr2-143029625-A-C. GRCh37 (hg19) VCF-style: chr2-143787194-A-C.
Other names: c.903-2A>C (NM_001199241.2).
Identifiers: ClinVar variation 2178788 (VCV002178788.1), dbSNP rs1686687362, ClinGen allele CA348850111.

ClinVar aggregate classification (germline): Likely pathogenic (1 of 4 stars; one submission).

Submission:

Labcorp Genetics (formerly Invitae), Labcorp
Classification: Likely pathogenic. Last evaluated: 2022-06-30. Review status: criteria provided, single submitter. Criteria: Invitae Variant Classification Sherloc (09022015). Collection method: clinical testing. Allele origin: germline.
Comment: This sequence change affects an acceptor splice site in intron 10 of the KYNU gene. It is expected to disrupt RNA splicing. Variants that disrupt the donor or acceptor splice site typically lead to a loss of protein function (PMID: 16199547), and loss-of-function variants in KYNU are known to be pathogenic (PMID: 17334708, 28792876, 31923704, 34200361). This variant is not present in population databases (gnomAD no frequency). This variant has not been reported in the literature in individuals affected with KYNU-related conditions. Algorithms developed to predict the effect of sequence changes on RNA splicing suggest that this variant may disrupt the consensus splice site. In summary, the currently available evidence indicates that the variant is pathogenic, but additional data are needed to prove that conclusively. Therefore, this variant has been classified as Likely Pathogenic.

Literature cited by the submitters: PubMed 16199547; PubMed 17334708; PubMed 28792876; PubMed 31923704; PubMed 34200361.